The following is an entry in ClinVar:

NM_025099.6(CTC1):c.1045C>T (p.Leu349Phe)

Gene: CTC1 (CST telomere replication complex component 1; minus strand). Cytogenetic location: 17p13.1.
Variant type: single nucleotide variant.
Coding change: c.1045C>T on transcript NM_025099.6 (MANE Select); coding-DNA position 1045, C replaced by T.
Protein change: p.Leu349Phe; replaces leucine 349 with phenylalanine.
Molecular consequence: missense variant. On other transcripts: non-coding transcript variant (1).
Genome position (GRCh38, 1-based): chr17:8,236,090, G>A on the plus strand (C>T on the coding strand, the complement: CTC1 is on the minus strand). VCF-style: chr17-8236090-G-A. GRCh37 (hg19) VCF-style: chr17-8139408-G-A.
Other names: short protein forms L349F.
Identifiers: ClinVar variation 660030 (VCV000660030.7), dbSNP rs745499039, ClinGen allele CA8372492.

ClinVar aggregate classification (germline): Uncertain significance (1 of 4 stars; one submission).

Conditions:
Dyskeratosis congenita. Identifiers: Orphanet 1775, MedGen C0265965, MONDO:0015780.

Allele frequency attached by ClinVar (database versions not stated): gnomAD exomes below 0.00001 and 0.00001; ExAC 0.00001; TOPMed 0.00001; gnomAD 0.00003.

Submission:

Labcorp Genetics (formerly Invitae), Labcorp
Classification: Uncertain significance for Dyskeratosis congenita. Last evaluated: 2025-01-12. Review status: criteria provided, single submitter. Criteria: Invitae Variant Classification Sherloc (09022015). Collection method: clinical testing. Allele origin: germline.
Comment: This sequence change replaces leucine, which is neutral and non-polar, with phenylalanine, which is neutral and non-polar, at codon 349 of the CTC1 protein (p.Leu349Phe). This variant is present in population databases (rs745499039, gnomAD 0.02%). This variant has not been reported in the literature in individuals affected with CTC1-related conditions. ClinVar contains an entry for this variant (Variation ID: 660030). Invitae Evidence Modeling of protein sequence and biophysical properties (such as structural, functional, and spatial information, amino acid conservation, physicochemical variation, residue mobility, and thermodynamic stability) indicates that this missense variant is not expected to disrupt CTC1 protein function with a negative predictive value of 80%. In summary, the available evidence is currently insufficient to determine the role of this variant in disease. Therefore, it has been classified as a Variant of Uncertain Significance.